The following is an entry in ClinVar:

ClinVar aggregate classification (germline): Uncertain significance (1 of 4 stars; one submission).

Conditions:
Hereditary cancer-predisposing syndrome. Also called: Hereditary Cancer Syndrome; Neoplastic Syndromes, Hereditary; Tumor predisposition; Hereditary neoplastic syndrome. Identifiers: Orphanet 140162, MedGen C0027672, MeSH D009386, MONDO:0015356.

Allele frequency attached by ClinVar (database versions not stated): gnomAD exomes below 0.00001; ExAC 0.00001; gnomAD 0.00001; TOPMed 0.00001.
gnomAD v4.1: 3 of 1,613,942 alleles (0.00019%); highest among the groups gnomAD compares: Non-Finnish European, 0.00025%; no homozygotes.

Submission:

Ambry Genetics
Classification: Uncertain significance for Hereditary cancer-predisposing syndrome. Last evaluated: 2024-04-10. Review status: criteria provided, single submitter. Criteria: Ambry Variant Classification Scheme 2023. Collection method: clinical testing. Allele origin: germline.
Comment: The p.Q175H variant (also known as c.525G>C), located in coding exon 1 of the GREM1 gene, results from a G to C substitution at nucleotide position 525. The glutamine at codon 175 is replaced by histidine, an amino acid with highly similar properties. This amino acid position is conserved. In addition, this alteration is predicted to be tolerated by in silico analysis. Since supporting evidence is limited at this time, the clinical significance of this alteration remains unclear.

NM_013372.7(GREM1):c.525G>C (p.Gln175His)

Gene: GREM1 (gremlin 1, DAN family BMP antagonist; plus strand). Cytogenetic location: 15q13.3.
Variant type: single nucleotide variant.
Coding change: c.525G>C on transcript NM_013372.7 (MANE Select); coding-DNA position 525, G replaced by C.
Protein change: p.Gln175His; replaces glutamine 175 with histidine.
Molecular consequence: missense variant.
Genome position (GRCh38, 1-based): chr15:32,731,215, G>C. VCF-style: chr15-32731215-G-C. GRCh37 (hg19) VCF-style: chr15-33023416-G-C.
Other names: c.315G>C, p.Gln105His (NM_001191322.2); c.402G>C, p.Gln134His (NM_001191323.2); c.525G>C, p.Gln175His (NM_001368719.1); short protein forms Q105H, Q134H, Q175H.
Identifiers: ClinVar variation 1746429 (VCV001746429.3), dbSNP rs763336404, ClinGen allele CA7456179.
Genomic context (GRCh38, chr15:32,731,215, plus strand): 5'-ACTCAACTGCCCTGAACTACAGCCACCTACCAAGAAGAAGAGAGTCACACGTGTGAAGCA[G>C]TGTCGTTGCATATCCATCGATTTGGATTAAGCCAAATCCAGGTGCACCCAGCATGTCCTA-3'
Protein context (NP_037504.1, residues 165-184): TKKKRVTRVK[Gln175His]CRCISIDLD